The following is an entry in ClinVar:

NM_001042492.3(NF1):c.4928del (p.Val1643fs)

Gene: NF1 (neurofibromin 1; plus strand). Cytogenetic location: 17q11.2.
Variant type: Deletion.
Coding change: c.4928del on transcript NM_001042492.3 (MANE Select); coding-DNA position 4928, one base deleted (T; older notation c.4928delT).
Protein change: p.Val1643fs; shifts the reading frame from valine 1643.
Molecular consequence: frameshift variant.
Genome position (GRCh38, 1-based): chr17:31,325,912, T deleted. VCF-style (leftmost placement, unchanged base first): chr17-31325911-GT-G. GRCh37 (hg19) VCF-style: chr17-29652929-GT-G.
Other names: c.4865delT (NM_000267.3); c.4865delT, p.Val1622Glyfs (NM_000267.4); short protein forms V1622fs, V1643fs.
Identifiers: ClinVar variation 1438869 (VCV001438869.8), dbSNP rs2151537791, ClinGen allele CA2573153682.

ClinVar aggregate classification (germline): Pathogenic. Review status: criteria provided, multiple submitters, no conflicts (2 of 4 stars). 2 submissions from 2 submitters: Pathogenic (2). Last evaluated 2021-03-22.

Conditions:
Neurofibromatosis, type 1 (NF1). Also called: Peripheral type neurofibromatosis; VON RECKLINGHAUSEN DISEASE; NEUROFIBROMATOSIS, TYPE I, SOMATIC; Neurofibromatosis, type I. Identifiers: Orphanet 636, MedGen C0027831, MONDO:0018975, OMIM 162200. Disease mechanism: loss of function.
Cardiovascular phenotype. Identifiers: MedGen CN230736.
Hereditary cancer-predisposing syndrome. Also called: Neoplastic Syndromes, Hereditary; Hereditary Cancer Syndrome; Tumor predisposition; Hereditary neoplastic syndrome. Identifiers: Orphanet 140162, MedGen C0027672, MeSH D009386, MONDO:0015356.

Submissions (2):

Ambry Genetics
Classification: Pathogenic for Cardiovascular phenotype; Hereditary cancer-predisposing syndrome. Last evaluated: 2021-03-22. Review status: criteria provided, single submitter. Criteria: Ambry Variant Classification Scheme 2023. Collection method: clinical testing. Allele origin: germline.
Comment: The c.4865delT pathogenic mutation, located in coding exon 36 of the NF1 gene, results from a deletion of one nucleotide at nucleotide position 4865, causing a translational frameshift with a predicted alternate stop codon (p.V1622Gfs*55). This alteration is expected to result in loss of function by premature protein truncation or nonsense-mediated mRNA decay. As such, this alteration is interpreted as a disease-causing mutation.

Labcorp Genetics (formerly Invitae), Labcorp
Classification: Pathogenic for Neurofibromatosis, type 1. Last evaluated: 2020-11-20. Review status: criteria provided, single submitter. Criteria: Invitae Variant Classification Sherloc (09022015). Collection method: clinical testing. Allele origin: germline.
Comment: This variant is not present in population databases (ExAC no frequency). For these reasons, this variant has been classified as Pathogenic. Algorithms developed to predict the effect of sequence changes on RNA splicing suggest that this variant may create or strengthen a splice site, but this prediction has not been confirmed by published transcriptional studies. This variant has not been reported in the literature in individuals with NF1-related conditions. This sequence change creates a premature translational stop signal (p.Val1622Glyfs*55) in the NF1 gene. It is expected to result in an absent or disrupted protein product. Loss-of-function variants in NF1 are known to be pathogenic (PMID: 10712197, 23913538).

Literature cited by the submitters: PubMed 10712197 (cited by Labcorp Genetics (formerly Invitae), Labcorp); PubMed 23913538 (cited by Labcorp Genetics (formerly Invitae), Labcorp).